The following is an entry in ClinVar:

NM_003998.4(NFKB1):c.2504C>T (p.Thr835Ile)

Gene: NFKB1 (nuclear factor kappa B subunit 1; plus strand). Cytogenetic location: 4q24.
Variant type: single nucleotide variant.
Coding change: c.2504C>T on transcript NM_003998.4 (MANE Select); coding-DNA position 2504, C replaced by T.
Protein change: p.Thr835Ile; replaces threonine 835 with isoleucine.
Molecular consequence: missense variant.
Genome position (GRCh38, 1-based): chr4:102,612,518, C>T. VCF-style: chr4-102612518-C-T. GRCh37 (hg19) VCF-style: chr4-103533675-C-T.
Other names: NP_003989.2:p.(Thr835Ile); c.2501C>T, p.Thr834Ile (NM_001165412.2, NM_001319226.2, NM_001382627.1); c.2504C>T, p.Thr835Ile (NM_001382625.1, NM_001382626.1); c.2462C>T, p.Thr821Ile (NM_001382628.1); c.2504C>T (NM_003998.3); short protein forms T821I, T834I, T835I.
Identifiers: ClinVar variation 3393336 (VCV003393336.3).

ClinVar aggregate classification (germline): Uncertain significance. Review status: criteria provided, multiple submitters, no conflicts (2 of 4 stars). 2 submissions from 2 submitters: Uncertain significance (2). Last evaluated 2026-06-09.

Conditions:
Inborn genetic diseases. Identifiers: MedGen C0950123, MeSH D030342.
Immunodeficiency, common variable, 12 (CVID12). Also called: NFKB1 DEFICIENCY; IMMUNODEFICIENCY, COMMON VARIABLE, 12, WITH AUTOIMMUNITY. Identifiers: Orphanet 1572, Orphanet 696874, MedGen C4225277, MONDO:0014697, OMIM 616576.

gnomAD v4.1: 2 of 1,614,034 alleles (0.00012%); highest among the groups gnomAD compares: Non-Finnish European, 0.00017%; no homozygotes.

Submissions (2):

Ambry Genetics
Classification: Uncertain significance for Inborn genetic diseases. Last evaluated: 2026-06-09. Review status: criteria provided, single submitter. Criteria: Ambry Variant Classification Scheme 2023. Collection method: clinical testing. Allele origin: germline.

Paediatric Laboratory, Institute for Maternal and Child Health - IRCCS Burlo Garofolo
Classification: Uncertain significance for Immunodeficiency, common variable, 12. Last evaluated: 2024-12-02. Review status: criteria provided, single submitter. Criteria: ACMG Guidelines, 2015. Collection method: clinical testing. Allele origin: germline. Affected: yes.
Comment: The NM_003998.4:c.2504C>T variant is predicted to result in the substitution of the threonine residue at position 835 with an isoleucine. This variant has been reported in two individuals in gnomAD v4.1.0. The NFKB1 gene exhibits a low tolerance for benign missense variation, as reflected by a Z-score for missense variants > 3 in gnomAD [PP2].